The following is an entry in ClinVar:

ClinVar aggregate classification (germline): Pathogenic (1 of 4 stars; one submission).

Conditions:
Menkes kinky-hair syndrome (MNK). Also called: Menkes Disease; Classic Menkes Disease; Copper transport disease. Identifiers: Orphanet 565, MedGen C0022716, MONDO:0010651, OMIM 309400.

Submission:

Myriad Genetics, Inc.
Classification: Pathogenic for Menkes kinky-hair syndrome. Last evaluated: 2023-08-10. Review status: criteria provided, single submitter. Criteria: Myriad Autosomal Dominant, Autosomal Recessive and X-Linked Classification Criteria (2023). Collection method: clinical testing. Allele origin: unknown.
Comment: NM_000052.5(ATP7A):c.233_234ins11(D79Lfs*10) is expected to be pathogenic in the context of ATP7A-related disorders. This variant is predicted to lead to an abnormal or absent protein product due to the creation of a premature termination codon in ATP7A, a gene where loss-of-function variants are known to be pathogenic. Please note: this variant was assessed in the context of healthy population screening.

NM_000052.7(ATP7A):c.233_234insACTGTCTCTTA (p.Asp79fs)

Gene: ATP7A (ATPase copper transporting alpha; plus strand). Cytogenetic location: Xq21.1.
Variant type: Insertion.
Coding change: c.233_234insACTGTCTCTTA on transcript NM_000052.7 (MANE Select); coding-DNA positions 233 to 234, ACTGTCTCTTA inserted.
Protein change: p.Asp79fs; shifts the reading frame from aspartic acid 79.
Molecular consequence: frameshift variant.
Genome position: GRCh38 VCF-style: chrX-77988354-C-CACTGTCTCTTA. GRCh37 (hg19) VCF-style: chrX-77243850-C-CACTGTCTCTTA.
Other names: c.233_234insACTGTCTCTTA, p.Asp79fs (NM_001282224.2); short protein forms D79fs.
Identifiers: ClinVar variation 5011313 (VCV005011313.1).